The following is an entry in ClinVar:

ClinVar aggregate classification (germline): Pathogenic. Review status: criteria provided, multiple submitters, no conflicts (2 of 4 stars). 3 submissions from 3 submitters: Pathogenic (2). 1 of the submissions does not count toward it. Last evaluated 2024-11-05.

Conditions:
Usher syndrome type 1 (USH1). Also called: RETINITIS PIGMENTOSA AND CONGENITAL DEAFNESS. Identifiers: Orphanet 231169, Orphanet 886, MedGen C1568247, MONDO:0010168, OMIM 276900.
Pituitary adenoma 5, multiple types. Identifiers: MedGen C4539685, MONDO:0054601, OMIM 617540.

Allele frequency attached by ClinVar (database versions not stated): gnomAD exomes 0.00002 and 0.00001; ExAC 0.00002.
gnomAD v4.1: 7 of 1,613,960 alleles (0.00043%); highest among the groups gnomAD compares: Non-Finnish European, 0.00059%; no homozygotes.

Submissions (3):

Labcorp Genetics (formerly Invitae), Labcorp
Classification: Pathogenic. Last evaluated: 2024-11-05. Review status: criteria provided, single submitter. Criteria: Invitae Variant Classification Sherloc (09022015). Collection method: clinical testing. Allele origin: germline.
Comment: This sequence change creates a premature translational stop signal (p.Gln2113*) in the CDH23 gene. It is expected to result in an absent or disrupted protein product. Loss-of-function variants in CDH23 are known to be pathogenic (PMID: 11138009, 21940737). This variant is present in population databases (rs771210121, gnomAD 0.004%). This premature translational stop signal has been observed in individuals with Usher syndrome (PMID: 18429043, 27583663). ClinVar contains an entry for this variant (Variation ID: 934719). For these reasons, this variant has been classified as Pathogenic.

Baylor Genetics
Classification: Pathogenic for Pituitary adenoma 5, multiple types. Last evaluated: 2024-03-04. Review status: criteria provided, single submitter. Criteria: ACMG Guidelines, 2015. Collection method: clinical testing. Allele origin: unknown.

Natera, Inc.
Classification: Pathogenic for Usher syndrome type 1. Last evaluated: 2020-04-15. Review status: no assertion criteria provided. Collection method: clinical testing. Allele origin: germline. Not counted in ClinVar's aggregate classification.

Literature cited by the submitters: PubMed 11138009 (cited by Labcorp Genetics (formerly Invitae), Labcorp); PubMed 21940737 (cited by Labcorp Genetics (formerly Invitae), Labcorp); PubMed 18429043 (cited by Labcorp Genetics (formerly Invitae), Labcorp); PubMed 27583663 (cited by Labcorp Genetics (formerly Invitae), Labcorp).

NM_022124.6(CDH23):c.6337C>T (p.Gln2113Ter)

Gene: CDH23 (cadherin related 23; plus strand). Cytogenetic location: 10q22.1.
Variant type: single nucleotide variant.
Coding change: c.6337C>T on transcript NM_022124.6 (MANE Select); coding-DNA position 6337, C replaced by T.
Protein change: p.Gln2113Ter; replaces glutamine 2113 with a stop codon.
Molecular consequence: nonsense.
Genome position (GRCh38, 1-based): chr10:71,793,265, C>T. VCF-style: chr10-71793265-C-T. GRCh37 (hg19) VCF-style: chr10-73553022-C-T.
Other names: short protein forms Q2113*.
Identifiers: ClinVar variation 934719 (VCV000934719.11), dbSNP rs771210121, ClinGen allele CA5546058.